The following is an entry in ClinVar:

NM_015338.6(ASXL1):c.3814C>A (p.Pro1272Thr)

Gene: ASXL1 (ASXL transcriptional regulator 1; plus strand). Cytogenetic location: 20q11.21.
Variant type: single nucleotide variant.
Coding change: c.3814C>A on transcript NM_015338.6 (MANE Select); coding-DNA position 3814, C replaced by A.
Protein change: p.Pro1272Thr; replaces proline 1272 with threonine.
Molecular consequence: missense variant.
Genome position (GRCh38, 1-based): chr20:32,436,526, C>A. VCF-style: chr20-32436526-C-A. GRCh37 (hg19) VCF-style: chr20-31024329-C-A.
Other names: c.3631C>A, p.Pro1211Thr (NM_001363734.1); short protein forms P1272T, P1211T.
Identifiers: ClinVar variation 1984016 (VCV001984016.5), dbSNP rs542860516, ClinGen allele CA408563853.

ClinVar aggregate classification (germline): Uncertain significance. Review status: criteria provided, multiple submitters, no conflicts (2 of 4 stars). 2 submissions from 2 submitters: Uncertain significance (2). Last evaluated 2024-11-21.

Conditions:
Inborn genetic diseases. Identifiers: MedGen C0950123, MeSH D030342.

Allele frequency attached by ClinVar (database versions not stated): gnomAD 0.00001.
gnomAD v4.1: 2 of 1,614,128 alleles (0.00012%); highest among the groups gnomAD compares: Admixed American, 0.0033%; no homozygotes.

Submissions (2):

Ambry Genetics
Classification: Uncertain significance for Inborn genetic diseases. Last evaluated: 2024-11-21. Review status: criteria provided, single submitter. Criteria: Ambry Variant Classification Scheme 2023. Collection method: clinical testing. Allele origin: germline.
Comment: The p.P1272T variant (also known as c.3814C>A), located in coding exon 13 of the ASXL1 gene, results from a C to A substitution at nucleotide position 3814. The proline at codon 1272 is replaced by threonine, an amino acid with highly similar properties. This amino acid position is conserved. In addition, this alteration is predicted to be tolerated by in silico analysis. Based on the available evidence, the clinical significance of this variant remains unclear.

Labcorp Genetics (formerly Invitae), Labcorp
Classification: Uncertain significance. Last evaluated: 2024-05-31. Review status: criteria provided, single submitter. Criteria: Invitae Variant Classification Sherloc (09022015). Collection method: clinical testing. Allele origin: germline.
Comment: This sequence change replaces proline, which is neutral and non-polar, with threonine, which is neutral and polar, at codon 1272 of the ASXL1 protein (p.Pro1272Thr). This variant is present in population databases (no rsID available, gnomAD 0.003%). This variant has not been reported in the literature in individuals affected with ASXL1-related conditions. ClinVar contains an entry for this variant (Variation ID: 1984016). An algorithm developed to predict the effect of missense changes on protein structure and function (PolyPhen-2) suggests that this variant is likely to be disruptive. In summary, the available evidence is currently insufficient to determine the role of this variant in disease. Therefore, it has been classified as a Variant of Uncertain Significance.